The following is an entry in ClinVar:

NM_000038.6(APC):c.7415C>T (p.Ala2472Val)

Gene: APC (APC regulator of Wnt signaling pathway; plus strand). Cytogenetic location: 5q22.2.
Variant type: single nucleotide variant.
Coding change: c.7415C>T on transcript NM_000038.6 (MANE Select); coding-DNA position 7415, C replaced by T.
Protein change: p.Ala2472Val; replaces alanine 2472 with valine.
Molecular consequence: missense variant.
Genome position (GRCh38, 1-based): chr5:112,843,009, C>T. VCF-style: chr5-112843009-C-T. GRCh37 (hg19) VCF-style: chr5-112178706-C-T.
Other names: c.7415C>T (LRG_130t1); c.7415C>T, p.Ala2472Val (NM_001127510.3, NM_001354895.2); c.7361C>T, p.Ala2454Val (NM_001127511.3); c.7469C>T, p.Ala2490Val (NM_001354896.2); c.7445C>T, p.Ala2482Val (NM_001354897.2); c.7340C>T, p.Ala2447Val (NM_001354898.2); c.7331C>T, p.Ala2444Val (NM_001354899.2); c.7292C>T, p.Ala2431Val (NM_001354900.2); and 6 more; short protein forms A2472V, A2454V, A2346V, A2482V, A2490V, A2312V, A2381V, A2431V.
Identifiers: ClinVar variation 41513 (VCV000041513.52), dbSNP rs200399245, ClinGen allele CA013674.

ClinVar aggregate classification (germline): Conflicting classifications of pathogenicity. Review status: criteria provided, conflicting classifications (1 of 4 stars). 17 submissions from 17 submitters: Uncertain significance (7); Benign (1); Likely benign (7). 2 of the submissions do not count toward it. Last evaluated 2026-05-28.

Conditions:
APC-related disorder. Also called: APC-related condition.
Hereditary cancer-predisposing syndrome. Also called: Hereditary neoplastic syndrome; Tumor predisposition; Hereditary Cancer Syndrome; Neoplastic Syndromes, Hereditary. Identifiers: Orphanet 140162, MedGen C0027672, MeSH D009386, MONDO:0015356.
Familial adenomatous polyposis 1 (FAP1). Also called: FAMILIAL ADENOMATOUS POLYPOSIS 1, ATTENUATED; POLYPOSIS, ADENOMATOUS INTESTINAL. Identifiers: MedGen C2713442, MONDO:0021056, OMIM 175100. Disease mechanism: loss of function.

Allele frequency attached by ClinVar (database versions not stated): ExAC 0.00002; gnomAD 0.00003; gnomAD exomes 0.00004; TOPMed 0.00005; 1000 Genomes Project 30x 0.00016; 1000 Genomes Project 0.00020.
gnomAD v4.1: 58 of 1,614,038 alleles (0.0036%); highest among the groups gnomAD compares: Admixed American, 0.05%; no homozygotes.

Submissions 1 to 13 of 17:

PreventionGenetics, part of Exact Sciences
Classification: Uncertain significance for APC-related condition. Last evaluated: 2026-05-28. Review status: criteria provided, single submitter. Criteria: ACMG Guidelines, 2015. Collection method: clinical testing. Allele origin: germline.
Comment: The APC c.7415C>T variant is predicted to result in the amino acid substitution p.Ala2472Val. This variant has been identified in individuals with breast cancer (Table S4, Maxwell et al. 2016. PubMed ID: 27153395), and in an individual with colorectal cancer (Table A4, Yurgelun et al. 2017. PubMed ID: 28135145). It has also been identified in individuals without a personal or family history of cancer (Supplementary Data, Johnston et al. 2012. PubMed ID: 22703879; Table S2, Rodriguez-Flores et al. 2014. PubMed ID: 24123366). This variant has been observed in 0.011% of alleles in individuals of  Latino descent ﻿in gnomAD, and has conflicting interpretations regarding its pathogenicity in ClinVar, ranging from uncertain significance to benign (Variation ID: 41513). Although we suspect that this variant may be benign, at this time, the clinical significance of this variant is uncertain due to the absence of conclusive functional and genetic evidence.

Labcorp Genetics (formerly Invitae), Labcorp
Classification: Likely benign for Familial adenomatous polyposis 1. Last evaluated: 2026-02-04. Review status: criteria provided, single submitter. Criteria: Invitae Variant Classification Sherloc (09022015). Collection method: clinical testing. Allele origin: germline.

Dasa
Classification: Likely benign. Last evaluated: 2026-01-19. Review status: criteria provided, single submitter. Criteria: DASA Assertion Criteria. Collection method: clinical testing. Allele origin: germline.
Comment: NM_000038.6(APC):c.7415C>T (p.Ala2472Val) is a missense variant that results in the substitution of alanine with valine. Population frequency is inconsistent with a disease-causing role for this variant, and the variant context is inconsistent with a known disease-causing mechanism. Therefore, based on the currently available evidence, this variant is classified as likely benign.

Color Diagnostics, LLC DBA Color Health
Classification: Likely benign for Hereditary cancer-predisposing syndrome. Last evaluated: 2025-02-10. Review status: criteria provided, single submitter. Criteria: ACMG Guidelines, 2015. Collection method: clinical testing. Allele origin: germline.

Molecular Diagnostics Laboratory, Catalan Institute of Oncology
Classification: Likely benign for Hereditary cancer-predisposing syndrome. Last evaluated: 2025-01-13. Review status: criteria provided, single submitter. Criteria: ClinGen ACMG Specifications APC V1.0.0. Collection method: clinical testing. Allele origin: germline.
Comment: BS1, BP1 c.7415C>T, located in exon 16 of the APC gene, is predicted to result in the substitution of Alanine by Valine at codon 2472, p.(Ala2472Val) (BP1). The variant allele was found in 4/35074 alleles, with a filter allele frequency of 0.003% at 95% confidence, within the Admixed American population in the gnomAD v2.1.1 database (non-cancer data set) (BS1). The SpliceAI algorithm predicts no significant impact on splicing. To our knowledge, neither relevant clinical data nor well-stablished functional studies have been reported for this variant. It has been reported in ClinVar (10x uncertain significance, 4x likely benign). Based on currently available information, the variant c.7415C>T should be considered a likely benign variant.

Quest Diagnostics Nichols Institute San Juan Capistrano
Classification: Benign. Last evaluated: 2024-10-15. Review status: criteria provided, single submitter. Criteria: Quest Diagnostics criteria. Collection method: clinical testing. Allele origin: unknown.

Blueprint Genetics
Classification: Likely benign. Last evaluated: 2024-10-04. Review status: criteria provided, single submitter. Criteria: ACMG Guidelines, 2015. Collection method: clinical testing. Allele origin: germline.

Institute for Biomarker Research, Medical Diagnostic Laboratories, L.L.C.
Classification: Uncertain significance for Hereditary cancer-predisposing syndrome. Last evaluated: 2024-07-09. Review status: criteria provided, single submitter. Criteria: ACMG Guidelines, 2015. Collection method: clinical testing. Allele origin: germline.

Women's Health and Genetics/Laboratory Corporation of America, LabCorp
Classification: Likely benign. Last evaluated: 2024-02-26. Review status: criteria provided, single submitter. Criteria: LabCorp Variant Classification Summary - May 2015. Collection method: clinical testing. Allele origin: germline.
Comment: Variant summary: APC c.7415C>T (p.Ala2472Val) results in a non-conservative amino acid change located in the Adenomatous polyposis coli protein basic domain (IPR009234) of the encoded protein sequence. Four of five in-silico tools predict a benign effect of the variant on protein function. The variant allele was found at a frequency of 4e-05 in 251162 control chromosomes, predominantly at a frequency of 0.00012 within the Latino subpopulation in the gnomAD database. The observed variant frequency within Latino control individuals in the gnomAD database is approximately 2-fold of the estimated maximal expected allele frequency for a pathogenic variant in APC causing Familial Adenomatous Polyposis phenotype (7.1e-05), strongly suggesting that the variant is a benign polymorphism found primarily in populations of Latino origin. c.7415C>T has been reported in the literature in an individual affected with colorectal cancer (Yurgelun_2017) and individuals with breast cancer (Tung_2015, de Oliveira_2022) without strong evidence for causality.These report(s) do not provide unequivocal conclusions about association of the variant with Familial Adenomatous Polyposis. To our knowledge, no experimental evidence demonstrating an impact on protein function has been reported. The following publications have been ascertained in the context of this evaluation (PMID: 22703879, 27153395, 27600092, 24123366, 25186627, 28135145, 35534704). ClinVar contains an entry for this variant (Variation ID: 41513). Based on the evidence outlined above, the variant was classified as likely benign.

Myriad Genetics, Inc.
Classification: Uncertain significance for Familial adenomatous polyposis 1. Last evaluated: 2023-02-23. Review status: criteria provided, single submitter. Criteria: Myriad Autosomal Dominant, Autosomal Recessive and X-Linked Classification Criteria (2023). Collection method: clinical testing. Allele origin: unknown.
Comment: This variant is classified as a variant of uncertain significance as there is insufficient evidence to determine its impact on protein function and/or cancer risk.

Sema4
Classification: Uncertain significance for Hereditary cancer-predisposing syndrome. Last evaluated: 2021-10-20. Review status: criteria provided, single submitter. Criteria: Sema4 Curation Guidelines. Collection method: curation. Allele origin: germline.
Comment: The APC c.7415C>T (p.A2472V) variant has been reported in heterozygosity in at least one individual with colorectal cancer (PMID: 28135145). The variant has also been seen in heterozygosity in at least three individuals with breast cancer (PMID: 25186627, 27153395) as well as in individuals not selected for personal or family history of cancer (PMID: 22703879, 24123366). It was observed in 4/35406 chromosomes of the Latino subpopulation in the large and broad cohorts of the Genome Aggregation Database (PMID: 32461654). The variant has been reported in ClinVar (Variation ID 41513). Functional studies have not been performed, and in silico predictions of the variant's effect on protein function are inconclusive. The evidence is insufficient to meet ACMG/AMP criteria for classifying the variant as benign or pathogenic. Thus, the clinical significance of this variant is currently uncertain.

Ambry Genetics
Classification: Likely benign for Hereditary cancer-predisposing syndrome. Last evaluated: 2021-08-13. Review status: criteria provided, single submitter. Criteria: Ambry Variant Classification Scheme 2023. Collection method: clinical testing. Allele origin: germline.

GeneDx
Classification: Uncertain significance. Last evaluated: 2018-05-21. Review status: criteria provided, single submitter. Criteria: GeneDx Variant Classification (06012015). Collection method: clinical testing. Allele origin: germline. Affected: yes.
Comment: This variant is denoted APC c.7415C>T at the cDNA level, p.Ala2472Val (A2472V) at the protein level, and results in the change of an Alanine to a Valine (GCT>GTT). APC Ala2472Val has been reported in a patient with colorectal cancer (Yurgelun 2017), in two patients with breast and/or ovarian cancer (Maxwell 2016), and in two individuals with no specific information provided regarding cancer history (Johnston 2012, Rodriguez-Flores 2014). APC Ala2472Val was not observed at a significant allele frequency in large population cohorts (Lek 2016). APC Ala2472Val is not located in a known functional domain. In silico analysis, which includes protein predictors and evolutionary conservation, supports that this variant does not alter protein structure/function. Based on currently available evidence, it is unclear whether APC Ala2472Val is a pathogenic or benign variant. We consider it to be a variant of uncertain significance.